The following continues an entry in ClinVar:

NM_007294.4(BRCA1):c.2726A>T (p.Asn909Ile)

Gene: BRCA1. ClinVar aggregate classification (germline): Conflicting classifications of pathogenicity. Uncertain significance (7); Benign (3); Likely benign (6).

Submissions 13 to 21 of 21:

GeneDx
Classification: Uncertain significance. Last evaluated: 2018-03-01. Review status: criteria provided, single submitter. Criteria: GeneDx Variant Classification (06012015). Collection method: clinical testing. Allele origin: germline. Affected: yes.
Comment: This variant is denoted BRCA1 c.2726A>T at the cDNA level, p.Asn909Ile (N909I) at the protein level, and results in the change of an Asparagine to an Isoleucine (AAT>ATT). Using alternate nomenclature, this variant has been previously published as BRCA1 2845A>T. This variant has been observed in individuals with a personal and/or family history of breast cancer, all of whom were of Asian ancestry, and was detected in 5/2091 breast cancer cases and 4/1462 controls in a study of multi-ethnic Asian individuals (Chen 2003, Thirthagiri 2008, Jang 2012, Cao 2016, Zhong 2016, Ahmadloo 2017, Arai 2017, Lai 2017, Park 2017). BRCA1 Asn909Ile was observed at an allele frequency of 0.12% (20/17,248) in individuals of East Asian ancestry in large population cohorts (Lek 2016). This variant is located in DNA binding domain and in a region reported to interact with RAD51 (Chen 1998, Narod 2004). In silico analysis, which includes protein predictors and evolutionary conservation, supports a deleterious effect. Based on currently available evidence, it is unclear whether BRCA1 Asn909Ile is a pathogenic or benign variant. We consider it to be a variant of uncertain significance.

Quest Diagnostics Nichols Institute San Juan Capistrano
Classification: Uncertain significance. Last evaluated: 2016-12-05. Review status: criteria provided, single submitter. Criteria: Quest Diagnostics criteria. Collection method: clinical testing. Allele origin: germline.

Laboratory of Molecular Diagnosis of Cancer, West China Hospital, Sichuan University
Classification: Uncertain significance for Breast neoplasm. Last evaluated: 2015-11-01. Review status: criteria provided, single submitter. Criteria: ACMG Guidelines, 2015. Collection method: research. Allele origin: germline. Affected: yes. Observed: 2 variant alleles.

Molecular Genetics Laboratory, University of Michigan
Classification: Uncertain significance for Breast-ovarian cancer, familial, susceptibility to, 1. Last evaluated: 2014-11-03. Review status: criteria provided, single submitter. Criteria: ACMG Guidelines, 2015. Collection method: clinical testing. Allele origin: germline. Affected: yes.

Counsyl
Classification: Uncertain significance for Breast-ovarian cancer, familial, susceptibility to, 1. Last evaluated: 2015-12-18. Review status: no assertion criteria provided. Collection method: clinical testing. Allele origin: unknown. Not counted in ClinVar's aggregate classification.

Sharing Clinical Reports Project (SCRP)
Classification: Uncertain significance for Breast-ovarian cancer, familial 1. Last evaluated: 2012-06-14. Review status: no assertion criteria provided. Collection method: clinical testing. Allele origin: germline. Not counted in ClinVar's aggregate classification.

Breast Cancer Information Core (BIC) (BRCA1)
Classification: Uncertain significance for Breast-ovarian cancer, familial 1. Last evaluated: 1999-12-22. Review status: no assertion criteria provided. Collection method: clinical testing. Allele origin: germline. Affected: yes. Observed: 2 variant alleles. Not counted in ClinVar's aggregate classification.

Center for Precision Medicine, Meizhou People's Hospital
Classification: Uncertain significance for Familial cancer of breast. Review status: no assertion criteria provided. Collection method: literature only. Allele origin: germline. Affected: yes. Not counted in ClinVar's aggregate classification.

Department of Pathology and Laboratory Medicine, Sinai Health System
Classification: Uncertain significance for Malignant tumor of breast. Review status: no assertion criteria provided. Collection method: clinical testing. Allele origin: unknown. Affected: yes. Study: The Canadian Open Genetics Repository (COGR). Not counted in ClinVar's aggregate classification.
Comment: The BRCA1 p.Asn909Ile variant was identified in 21 of 23988 proband chromosomes (frequency: 0.0009) from individuals or families with breast or ovarian cancer and was present in 18 of 25598 control chromosomes (frequency: 0.0007) from healthy individuals (Arai 2018, Bhaskaran 2019, Cao 2016, Chen 2003, Jang 2012, Lai 2017, Momozawa 2018, Thirthagiri 2008). The variant was also identified in dbSNP (ID: rs80357127) as "With Uncertain significance allele", ClinVar (classified as likely benign by Invitae; and as uncertain significance by Ambry Genetics, GeneDx and seven other submitters), LOVD 3.0 (6x), and in UMD-LSDB (1x as unclassified variant). The variant was identified in control databases in 20 of 245542 chromosomes at a frequency of 0.00008 (Genome Aggregation Database Feb 27, 2017). The variant was observed in the East Asian population in 20 of 17248 chromosomes (freq: 0.001), increasing the likelihood this could be a low frequency benign variant, while the variant was not observed in the African, Other, Latino, European, Ashkenazi Jewish, Finnish, or South Asian populations. The p.Asn909 residue is not conserved in mammals and computational analyses (PolyPhen-2, SIFT, AlignGVGD, BLOSUM, MutationTaster) provide inconsistent predictions regarding the impact to the protein; this information is not very predictive of pathogenicity. The variant occurs outside of the splicing consensus sequence and in silico or computational prediction software programs (SpliceSiteFinder, MaxEntScan, NNSPLICE, GeneSplicer) do not predict a difference in splicing. In summary, based on the above information, the clinical significance of this variant cannot be determined with certainty at this time. This variant is classified as a variant of uncertain significance.

Literature cited by the submitters: PubMed 18627636 (cited by 5 submitters); PubMed 22217648 (cited by 4 submitters); PubMed 27257965 (cited by Women's Health and Genetics/Laboratory Corporation of America, LabCorp and Laboratory of Molecular Diagnosis of Cancer, West China Hospital, Sichuan University); PubMed 26852015 (cited by 3 submitters); PubMed 28364669 (cited by Women's Health and Genetics/Laboratory Corporation of America, LabCorp and Ambry Genetics); PubMed 28179634 (cited by Women's Health and Genetics/Laboratory Corporation of America, LabCorp); PubMed 12602912 (cited by 5 submitters); PubMed 29176636 (cited by Women's Health and Genetics/Laboratory Corporation of America, LabCorp); PubMed 30287823 (cited by 3 submitters); PubMed 30702160 (cited by Women's Health and Genetics/Laboratory Corporation of America, LabCorp and Ambry Genetics); PubMed 28222693 (cited by 3 submitters); PubMed 30415210 (cited by Women's Health and Genetics/Laboratory Corporation of America, LabCorp and Ambry Genetics); PubMed 32068069 (cited by Women's Health and Genetics/Laboratory Corporation of America, LabCorp); PubMed 33471991 (cited by Women's Health and Genetics/Laboratory Corporation of America, LabCorp and Sema4); PubMed 35918668 (cited by Women's Health and Genetics/Laboratory Corporation of America, LabCorp); PubMed 10918303 (cited by Ambry Genetics); PubMed 28111427 (cited by Ambry Genetics); PubMed 29192238 (cited by Ambry Genetics); PubMed 16518693 (cited by Quest Diagnostics Nichols Institute San Juan Capistrano); PubMed 22127648 (cited by Counsyl and Center for Precision Medicine, Meizhou People's Hospital).